The following is an entry in ClinVar:

GRCh37/hg19 18q22.3-23(chr18:70383594-78014123)x1

Genes: MBP (myelin basic protein; minus strand), NETO1 (neuropilin and tolloid like 1; minus strand), NFATC1 (nuclear factor of activated T cells 1; plus strand), PARD6G (par-6 family cell polarity regulator gamma; minus strand), PTGR3 (prostaglandin reductase 3; minus strand) and 24 more. Cytogenetic location: 18q22.3-23.
Variant type: copy number loss.
Change: copy number 1 (one copy instead of two) of chr18:70,383,594-78,014,123 (7.63 Mb, GRCh37 coordinates, 1-based), cytogenetic band 18q22.3-23.
Identifiers: ClinVar variation 816057 (VCV000816057.3).

ClinVar aggregate classification (germline): Pathogenic (1 of 4 stars; one submission).

Submission:

Quest Diagnostics Nichols Institute San Juan Capistrano
Classification: Pathogenic. Last evaluated: 2024-10-24. Review status: criteria provided, single submitter. Criteria: ACMG/ClinGen CNV Guidelines, 2019. Collection method: clinical testing. Allele origin: unknown.
Comment: This 18q22.3q23 terminal deletion is associated with chromosome 18q deletion syndrome (OMIM 601808) (Cody 2015, Linnankivi 2006). Therefore, this CNV is classified as pathogenic. References: Cody et al., Am J Med Genet C Semin Med Genet. 2015 Sep;169(3):265-80. PMID: 26235940 Linnankivi et al., Am J Med Genet A. 2006 Feb 15;140(4):331-9. PMID: 16419126